The following is an entry in ClinVar:

NM_001346953.2(EXO5):c.949G>A (p.Ala317Thr)

Gene: EXO5 (exonuclease 5; plus strand). Cytogenetic location: 1p34.2.
Variant type: single nucleotide variant.
Coding change: c.949G>A on transcript NM_001346953.2 (MANE Select); coding-DNA position 949, G replaced by A.
Protein change: p.Ala317Thr; replaces alanine 317 with threonine.
Molecular consequence: missense variant.
Genome position (GRCh38, 1-based): chr1:40,515,493, G>A. VCF-style: chr1-40515493-G-A. GRCh37 (hg19) VCF-style: chr1-40981165-G-A.
Other names: c.949G>A, p.Ala317Thr (NM_001346946.2, NM_001346947.2, NM_001346948.2 and 8 more transcripts); c.949G>A (NM_022774.1); short protein forms A317T.
Identifiers: ClinVar variation 1926249 (VCV001926249.6), dbSNP rs766122543, ClinGen allele CA793380.
Genomic context (GRCh38, chr1:40,515,493, plus strand): 5'-CAAGAGACTGCCACTGTGCTGGGTACTGAGATTGTAGCCTTCAAAGAGAAGGAGGTGAGA[G>A]CCAAGGTGCAGCATTATATGGCCTACTGGATGGGCCACCGAGAGCCCCAGGGAGTTGACG-3'
Protein context (NP_001333882.1, residues 307-327): IVAFKEKEVR[Ala317Thr]KVQHYMAYWM

ClinVar aggregate classification (germline): Uncertain significance. Review status: criteria provided, multiple submitters, no conflicts (2 of 4 stars). 2 submissions from 2 submitters: Uncertain significance (2). Last evaluated 2025-08-05.

Allele frequency attached by ClinVar (database versions not stated): ExAC 0.00001; gnomAD 0.00001; gnomAD exomes 0.00001; TOPMed 0.00003.
gnomAD v4.1: 19 of 1,613,866 alleles (0.0012%); highest among the groups gnomAD compares: Admixed American, 0.015%; no homozygotes.

Submissions (2):

Ambry Genetics
Classification: Uncertain significance. Last evaluated: 2025-08-05. Review status: criteria provided, single submitter. Criteria: Ambry Variant Classification Scheme 2023. Collection method: clinical testing. Allele origin: germline.

Labcorp Genetics (formerly Invitae), Labcorp
Classification: Uncertain significance. Last evaluated: 2022-12-06. Review status: criteria provided, single submitter. Criteria: Invitae Variant Classification Sherloc (09022015). Collection method: clinical testing. Allele origin: germline.
Comment: In summary, the available evidence is currently insufficient to determine the role of this variant in disease. Therefore, it has been classified as a Variant of Uncertain Significance. Algorithms developed to predict the effect of missense changes on protein structure and function are either unavailable or do not agree on the potential impact of this missense change (SIFT: "Deleterious"; PolyPhen-2: "Benign"; Align-GVGD: "Class C0"). This variant has not been reported in the literature in individuals affected with EXO5-related conditions. This variant is present in population databases (rs766122543, gnomAD 0.006%). This sequence change replaces alanine, which is neutral and non-polar, with threonine, which is neutral and polar, at codon 317 of the EXO5 protein (p.Ala317Thr).